The following is an entry in ClinVar:

NM_006017.3(PROM1):c.2454C>T (p.Tyr818=)

Gene: PROM1 (prominin 1; minus strand). Cytogenetic location: 4p15.32.
Variant type: single nucleotide variant.
Coding change: c.2454C>T on transcript NM_006017.3 (MANE Select); coding-DNA position 2454, C replaced by T.
Protein change: p.Tyr818=; no amino-acid change (tyrosine 818 retained).
Molecular consequence: synonymous variant.
Genome position (GRCh38, 1-based): chr4:15,980,457, G>A on the plus strand (C>T on the coding strand, the complement: PROM1 is on the minus strand). VCF-style: chr4-15980457-G-A. GRCh37 (hg19) VCF-style: chr4-15982080-G-A.
Other names: c.2454C>T (NM_006017.2); c.2427C>T, p.Tyr809= (NM_001145847.2, NM_001145848.2, NM_001145851.2 and 4 more transcripts); c.2454C>T, p.Tyr818= (NM_001145849.2, NM_001145850.2).
Identifiers: ClinVar variation 1166076 (VCV001166076.12), dbSNP rs147880953, ClinGen allele CA2866391.

ClinVar aggregate classification (germline): Benign/Likely benign. Review status: criteria provided, multiple submitters, no conflicts (2 of 4 stars). 3 submissions from 3 submitters: Benign (1); Likely benign (1). 1 of the submissions does not count toward it. Last evaluated 2026-01-06.

Conditions:
PROM1-related disorder. Also called: PROM1-related disorders; PROM1-related condition.

Allele frequency attached by ClinVar (database versions not stated): ESP Exome Variant Server 0.00026; ExAC 0.00057; TOPMed 0.00091; gnomAD 0.00099 and 0.00100; 1000 Genomes Project 0.00240; 1000 Genomes Project 30x 0.00265.
gnomAD v4.1: 298 of 1,555,902 alleles (0.019%); highest among the groups gnomAD compares: African/African-American, 0.37%; 1 homozygote.

Submissions (3):

Labcorp Genetics (formerly Invitae), Labcorp
Classification: Benign. Last evaluated: 2026-01-06. Review status: criteria provided, single submitter. Criteria: Invitae Variant Classification Sherloc (09022015). Collection method: clinical testing. Allele origin: germline.

Blueprint Genetics
Classification: Likely benign. Last evaluated: 2024-11-13. Review status: criteria provided, single submitter. Criteria: ACMG Guidelines, 2015. Collection method: clinical testing. Allele origin: germline.

PreventionGenetics, part of Exact Sciences
Classification: Likely benign for PROM1-related condition. Last evaluated: 2019-10-18. Review status: no assertion criteria provided. Collection method: clinical testing. Allele origin: germline. Not counted in ClinVar's aggregate classification.
Comment: This variant is classified as likely benign based on ACMG/AMP sequence variant interpretation guidelines (Richards et al. 2015 PMID: 25741868, with internal and published modifications).